The following is an entry in ClinVar:

NM_032043.3(BRIP1):c.613T>C (p.Phe205Leu)

Gene: BRIP1 (BRCA1 interacting DNA helicase 1; minus strand). Cytogenetic location: 17q23.2.
Variant type: single nucleotide variant.
Coding change: c.613T>C on transcript NM_032043.3 (MANE Select); coding-DNA position 613, T replaced by C.
Protein change: p.Phe205Leu; replaces phenylalanine 205 with leucine.
Molecular consequence: missense variant.
Genome position (GRCh38, 1-based): chr17:61,847,115, A>G on the plus strand (T>C on the coding strand, the complement: BRIP1 is on the minus strand). VCF-style: chr17-61847115-A-G. GRCh37 (hg19) VCF-style: chr17-59924476-A-G.
Other names: short protein forms F205L.
Identifiers: ClinVar variation 826201 (VCV000826201.14), dbSNP rs1603361561, ClinGen allele CA400482838.

ClinVar aggregate classification (germline): Uncertain significance. Review status: criteria provided, multiple submitters, no conflicts (2 of 4 stars). 2 submissions from 2 submitters: Uncertain significance (2). Last evaluated 2023-02-10.

Conditions:
Hereditary cancer-predisposing syndrome. Also called: Neoplastic Syndromes, Hereditary; Hereditary Cancer Syndrome; Hereditary neoplastic syndrome; Tumor predisposition. Identifiers: Orphanet 140162, MedGen C0027672, MeSH D009386, MONDO:0015356.
Fanconi anemia complementation group J. Also called: BRIP1-Related Fanconi Anemia. Identifiers: Orphanet 84, MedGen C1836860, MONDO:0012187, OMIM 609054.
Familial cancer of breast. Also called: hereditary breast carcinoma; BREAST CANCER, FAMILIAL; Hereditary breast cancer. Identifiers: Orphanet 227535, MedGen C0346153, MONDO:0016419, OMIM 114480. Disease mechanism: loss of function.

Submissions (2):

Labcorp Genetics (formerly Invitae), Labcorp
Classification: Uncertain significance for Familial cancer of breast; Fanconi anemia complementation group J. Last evaluated: 2023-02-10. Review status: criteria provided, single submitter. Criteria: Invitae Variant Classification Sherloc (09022015). Collection method: clinical testing. Allele origin: germline.
Comment: In summary, the available evidence is currently insufficient to determine the role of this variant in disease. Therefore, it has been classified as a Variant of Uncertain Significance. Advanced modeling of protein sequence and biophysical properties (such as structural, functional, and spatial information, amino acid conservation, physicochemical variation, residue mobility, and thermodynamic stability) performed at Invitae indicates that this missense variant is not expected to disrupt BRIP1 protein function. ClinVar contains an entry for this variant (Variation ID: 826201). This variant has not been reported in the literature in individuals affected with BRIP1-related conditions. This variant is not present in population databases (gnomAD no frequency). This sequence change replaces phenylalanine, which is neutral and non-polar, with leucine, which is neutral and non-polar, at codon 205 of the BRIP1 protein (p.Phe205Leu).

Ambry Genetics
Classification: Uncertain significance for Hereditary cancer-predisposing syndrome. Last evaluated: 2019-04-22. Review status: criteria provided, single submitter. Criteria: Ambry Variant Classification Scheme 2023. Collection method: clinical testing. Allele origin: germline.
Comment: The p.F205L variant (also known as c.613T>C), located in coding exon 5 of the BRIP1 gene, results from a T to C substitution at nucleotide position 613. The phenylalanine at codon 205 is replaced by leucine, an amino acid with highly similar properties. This amino acid position is not well conserved in available vertebrate species. In addition, this alteration is predicted to be tolerated by in silico analysis. Since supporting evidence is limited at this time, the clinical significance of this alteration remains unclear.